The following is an entry in ClinVar:

NM_000540.3(RYR1):c.9673C>T (p.Arg3225Trp)

Gene: RYR1 (ryanodine receptor 1; plus strand). Cytogenetic location: 19q13.2.
Variant type: single nucleotide variant.
Coding change: c.9673C>T on transcript NM_000540.3 (MANE Select); coding-DNA position 9673, C replaced by T.
Protein change: p.Arg3225Trp; replaces arginine 3225 with tryptophan.
Molecular consequence: missense variant.
Genome position (GRCh38, 1-based): chr19:38,516,205, C>T. VCF-style: chr19-38516205-C-T. GRCh37 (hg19) VCF-style: chr19-39006845-C-T.
Other names: c.9673C>T, p.Arg3225Trp (NM_001042723.2); short protein forms R3225W.
Identifiers: ClinVar variation 423960 (VCV000423960.9), dbSNP rs766665861, ClinGen allele CA073961.
Genomic context (GRCh38, chr19:38,516,205, plus strand): 5'-TTCCTGGAGCCGCAGCTGAACGAGTACAACGCCTGCTCCGTGTACACCACCAAGTCTCCG[C>T]GGGAGCGGGCCAGTAAGCTGTGTGGGGCGGGAGCAGTGCTGGGAGTCCAAATCTCCCCAG-3'
Protein context (NP_000531.2, residues 3215-3235): ACSVYTTKSP[Arg3225Trp]ERAILGLPNS

ClinVar aggregate classification (germline): Uncertain significance. Review status: criteria provided, multiple submitters, no conflicts (2 of 4 stars). 4 submissions from 4 submitters: Uncertain significance (4). Last evaluated 2026-07-14.

Conditions:
Malignant hyperthermia, susceptibility to, 1 (MHS1). Also called: Anesthesia related hyperthermia; Malignant hyperpyrexia; Fulminating hyperpyrexia; Pharmacogenic myopathy; Malignant hyperthermia suceptibility 1; RYR1-Related Malignant Hyperthermia Susceptibility. Identifiers: Orphanet 423, MedGen C2930980, MONDO:0007783, OMIM 145600.
RYR1-related disorder. Also called: RYR1-related condition; RYR1-related disorders. Identifiers: MedGen CN239331.
Inborn genetic diseases. Identifiers: MedGen C0950123, MeSH D030342.

Allele frequency attached by ClinVar (database versions not stated): gnomAD below 0.00001; gnomAD exomes below 0.00001; TOPMed 0.00002; ExAC 0.00008.
gnomAD v4.1: 15 of 1,584,366 alleles (0.00095%); highest among the groups gnomAD compares: South Asian, 0.0081%; no homozygotes.

Submissions (4):

Ambry Genetics
Classification: Uncertain significance for Inborn genetic diseases. Last evaluated: 2026-07-14. Review status: criteria provided, single submitter. Criteria: Ambry Variant Classification Scheme 2023. Collection method: clinical testing. Allele origin: germline.

Labcorp Genetics (formerly Invitae), Labcorp
Classification: Uncertain significance for RYR1-related disorder. Last evaluated: 2025-05-11. Review status: criteria provided, single submitter. Criteria: Invitae Variant Classification Sherloc (09022015). Collection method: clinical testing. Allele origin: germline.
Comment: This sequence change replaces arginine, which is basic and polar, with tryptophan, which is neutral and slightly polar, at codon 3225 of the RYR1 protein (p.Arg3225Trp). The frequency data for this variant in the population databases is considered unreliable, as metrics indicate poor data quality at this position in the gnomAD database. This variant has not been reported in the literature in individuals affected with RYR1-related conditions. ClinVar contains an entry for this variant (Variation ID: 423960). Invitae Evidence Modeling of protein sequence and biophysical properties (such as structural, functional, and spatial information, amino acid conservation, physicochemical variation, residue mobility, and thermodynamic stability) indicates that this missense variant is not expected to disrupt RYR1 protein function with a negative predictive value of 80%. In summary, the available evidence is currently insufficient to determine the role of this variant in disease. Therefore, it has been classified as a Variant of Uncertain Significance.

Color Diagnostics, LLC DBA Color Health
Classification: Uncertain significance for Malignant hyperthermia, susceptibility to, 1. Last evaluated: 2023-11-29. Review status: criteria provided, single submitter. Criteria: ACMG Guidelines, 2015. Collection method: clinical testing. Allele origin: germline.
Comment: This missense variant replaces arginine with tryptophan at codon 3225 of the RYR1 protein. Computational prediction is inconclusive regarding the impact of this variant on protein structure and function (internally defined REVEL score threshold 0.5 < inconclusive < 0.7, PMID: 27666373). To our knowledge, functional studies have not been reported for this variant. This variant has not been reported in individuals affected with RYR1-related disorders in the literature. This variant has been identified in 1/201402 chromosomes in the general population by the Genome Aggregation Database (gnomAD). The available evidence is insufficient to determine the role of this variant in disease conclusively. Therefore, this variant is classified as a Variant of Uncertain Significance.

GeneDx
Classification: Uncertain significance. Last evaluated: 2017-03-03. Review status: criteria provided, single submitter. Criteria: GeneDx Variant Classification (06012015). Collection method: clinical testing. Allele origin: germline. Affected: yes.
Comment: A variant of uncertain significance has been identified in the RYR1 gene. The R3225W variant has not been published as a pathogenic variant, nor has it been reported as a benign variant to our knowledge. The R3225W variant is not observed at a significant frequency in large population cohorts (Lek et al., 2016; 1000 Genomes Consortium et al., 2015; Exome Variant Server). The R3225W variant is a non-conservative amino acid substitution, which is likely to impact secondary protein structure as these residues differ in polarity, charge, size and/or other properties. This substitution occurs at a position that is conserved across species, and in silico analysis predicts this variant is probably damaging to the protein structure/function. However, based on the currently available information, it is unclear whether this variant is a pathogenic variant or a rare benign variant.